The following is an entry in ClinVar:

NM_000789.4(ACE):c.3321T>G (p.Thr1107=)

Gene: ACE (angiotensin I converting enzyme; plus strand). Cytogenetic location: 17q23.3.
Variant type: single nucleotide variant.
Coding change: c.3321T>G on transcript NM_000789.4 (MANE Select); coding-DNA position 3321, T replaced by G.
Protein change: p.Thr1107=; no amino-acid change (threonine 1107 retained).
Molecular consequence: synonymous variant. On other transcripts: non-coding transcript variant (1).
Genome position (GRCh38, 1-based): chr17:63,494,411, T>G. VCF-style: chr17-63494411-T-G. GRCh37 (hg19) VCF-style: chr17-61571772-T-G.
Other names: c.1599T>G, p.Thr533= (NM_001178057.2, NM_152830.3); c.2754T>G, p.Thr918= (NM_001382700.1); c.2469T>G, p.Thr823= (NM_001382701.1); c.1059T>G, p.Thr353= (NM_001382702.1); c.3321T>G (NM_000789.3).
Identifiers: ClinVar variation 1596094 (VCV001596094.11), dbSNP rs144974035, ClinGen allele CA8700450.
Genomic context (GRCh38, chr17:63,494,411, plus strand): 5'-ACATATATTCCCACTCGACAGGCTGAAGTACCAGGGCCTCTGCCCCCCAGTGCCCAGGAC[T>G]CAAGGTGACTTTGACCCAGGGGCCAAGTTCCACATTCCTTCTAGCGTGCCTTACATCAGG-3'
Protein context (NP_000780.1, residues 1097-1117): YQGLCPPVPR[Thr1107=]QGDFDPGAKF

ClinVar aggregate classification (germline): Likely benign. Review status: criteria provided, multiple submitters, no conflicts (2 of 4 stars). 4 submissions from 4 submitters: Likely benign (4). Last evaluated 2025-11-05.

Conditions:
Microvascular complications of diabetes, susceptibility to, 3. Identifiers: MedGen C2675470, MONDO:0012963, OMIM 612624.
Hemorrhage, intracerebral, susceptibility to (ICH). Also called: Stroke, hemorrhagic, susceptibility to. Identifiers: MedGen C3281105, MONDO:0100533, OMIM 614519.
Renal tubular dysgenesis of genetic origin. Also called: PRIMITIVE RENAL TUBULE SYNDROME. Identifiers: Orphanet 97369, MedGen C5681536, MONDO:0009970, OMIM 267430.
ACE-related disorder. Also called: ACE-related disorders; ACE-related condition.

Allele frequency attached by ClinVar (database versions not stated): TOPMed 0.00010; gnomAD 0.00012 and 0.00013; ESP Exome Variant Server 0.00015; gnomAD exomes 0.00025; ExAC 0.00029.

Submissions (4):

PreventionGenetics, part of Exact Sciences
Classification: Likely benign for ACE-related condition. Last evaluated: 2025-11-05. Review status: criteria provided, single submitter. Criteria: ACMG Guidelines, 2015. Collection method: clinical testing. Allele origin: germline.
Comment: This variant is classified as likely benign based on ACMG/AMP sequence variant interpretation guidelines (Richards et al. 2015 PMID: 25741868, with internal and published modifications).

Labcorp Genetics (formerly Invitae), Labcorp
Classification: Likely benign. Last evaluated: 2025-06-12. Review status: criteria provided, single submitter. Criteria: Invitae Variant Classification Sherloc (09022015). Collection method: clinical testing. Allele origin: germline.

Blueprint Genetics
Classification: Likely benign. Last evaluated: 2023-08-04. Review status: criteria provided, single submitter. Criteria: ACMG Guidelines, 2015. Collection method: clinical testing. Allele origin: germline.

Fulgent Genetics
Classification: Likely benign for Renal tubular dysgenesis of genetic origin; Microvascular complications of diabetes, susceptibility to, 3; Hemorrhage, intracerebral, susceptibility to. Last evaluated: 2022-04-04. Review status: criteria provided, single submitter. Criteria: ACMG Guidelines, 2015. Collection method: clinical testing. Allele origin: unknown.